The following is an entry in ClinVar:

ClinVar aggregate classification (germline): Uncertain significance (1 of 4 stars; one submission).

Submission:

GeneDx
Classification: Uncertain significance. Last evaluated: 2023-05-30. Review status: criteria provided, single submitter. Criteria: GeneDx Variant Classification Process June 2021. Collection method: clinical testing. Allele origin: germline. Affected: yes.
Comment: Not observed at significant frequency in large population cohorts (gnomAD); In silico analysis supports that this missense variant does not alter protein structure/function; Has not been previously published as pathogenic or benign to our knowledge

NM_003482.4(KMT2D):c.8123C>T (p.Ala2708Val)

Gene: KMT2D (lysine methyltransferase 2D; minus strand). Cytogenetic location: 12q13.12.
Variant type: single nucleotide variant.
Coding change: c.8123C>T on transcript NM_003482.4 (MANE Select); coding-DNA position 8123, C replaced by T.
Protein change: p.Ala2708Val; replaces alanine 2708 with valine.
Molecular consequence: missense variant.
Genome position (GRCh38, 1-based): chr12:49,039,541, G>A on the plus strand (C>T on the coding strand, the complement: KMT2D is on the minus strand). VCF-style: chr12-49039541-G-A. GRCh37 (hg19) VCF-style: chr12-49433324-G-A.
Other names: short protein forms A2708V.
Identifiers: ClinVar variation 3359467 (VCV003359467.1).